The following is an entry in ClinVar:

NM_201384.3(PLEC):c.252G>A (p.Ser84=)

Gene: PLEC (plectin; minus strand). Cytogenetic location: 8q24.3.
Variant type: single nucleotide variant.
Coding change: c.252G>A on transcript NM_201384.3 (MANE Select); coding-DNA position 252, G replaced by A.
Protein change: p.Ser84=; no amino-acid change (serine 84 retained).
Molecular consequence: synonymous variant.
Genome position (GRCh38, 1-based): chr8:143,938,163, C>T on the plus strand (G>A on the coding strand, the complement: PLEC is on the minus strand). VCF-style: chr8-143938163-C-T. GRCh37 (hg19) VCF-style: chr8-145012331-C-T.
Other names: c.333G>A, p.Ser111= (NM_000445.5); c.210G>A, p.Ser70= (NM_201378.4); c.186G>A, p.Ser62= (NM_201379.3); c.663G>A, p.Ser221= (NM_201380.4); c.156G>A, p.Ser52= (NM_201381.3); c.252G>A, p.Ser84= (NM_201382.4); c.264G>A, p.Ser88= (NM_201383.3).
Identifiers: ClinVar variation 704599 (VCV000704599.16), dbSNP rs570408268, ClinGen allele CA4928560.

ClinVar aggregate classification (germline): Benign. Review status: criteria provided, single submitter (1 of 4 stars). 2 submissions from 2 submitters: Benign (1). 1 of the submissions does not count toward it. Last evaluated 2025-02-15.

Conditions:
PLEC-related disorder. Also called: PLEC-related condition; PLEC-related disorders.
Epidermolysis bullosa simplex 5C, with pyloric atresia (EBS5C). Also called: PLEC-Related Epidermolysis Bullosa with Pyloric Atresia; Epidermolysis bullosa simplex with pyloric atresia; PLEC1-Related Epidermolysis Bullosa with Pyloric Atresia. Identifiers: Orphanet 158684, MedGen C2677349, MONDO:0012807, OMIM 612138.
Autosomal recessive limb-girdle muscular dystrophy type 2Q (LGMDR17). Also called: MUSCULAR DYSTROPHY, LIMB-GIRDLE, AUTOSOMAL RECESSIVE 17. Identifiers: Orphanet 254361, MedGen C3150989, MONDO:0013390, OMIM 613723.
Epidermolysis bullosa simplex with nail dystrophy (EBS5D). Identifiers: MedGen C4225309, MONDO:0014661, OMIM 616487.
Epidermolysis bullosa simplex 5B, with muscular dystrophy (EBS5B). Also called: EPIDERMOLYSIS BULLOSA SIMPLEX AND LIMB-GIRDLE MUSCULAR DYSTROPHY; Epidermolysis bullosa simplex with muscular dystrophy. Identifiers: Orphanet 257, MedGen C2931072, MONDO:0009181, OMIM 226670.
Epidermolysis bullosa simplex, Ogna type (EBS5A). Also called: Pidermolysis bullosa simplex 5A, Ogna type; EPIDERMOLYSIS BULLOSA SIMPLEX 5A, OGNA TYPE. Identifiers: Orphanet 79401, MedGen C0432317, MONDO:0007555, OMIM 131950.

Allele frequency attached by ClinVar (database versions not stated): TOPMed 0.00018; ExAC 0.00024; gnomAD 0.00026; 1000 Genomes Project 30x 0.00078; 1000 Genomes Project 0.00080.

Submissions (3):

Labcorp Genetics (formerly Invitae), Labcorp
Classification: Benign for Autosomal recessive limb-girdle muscular dystrophy type 2Q; Epidermolysis bullosa simplex, Ogna type; Epidermolysis bullosa simplex with nail dystrophy; Epidermolysis bullosa simplex 5C, with pyloric atresia; Epidermolysis bullosa simplex 5B, with muscular dystrophy. Last evaluated: 2025-02-15. Review status: criteria provided, single submitter. Criteria: Invitae Variant Classification Sherloc (09022015). Collection method: clinical testing. Allele origin: germline.

PreventionGenetics, part of Exact Sciences
Classification: Likely benign for PLEC-related condition. Last evaluated: 2019-06-03. Review status: no assertion criteria provided. Collection method: clinical testing. Allele origin: germline. Not counted in ClinVar's aggregate classification.
Comment: This variant is classified as likely benign based on ACMG/AMP sequence variant interpretation guidelines (Richards et al. 2015 PMID: 25741868, with internal and published modifications).

Dr. Peter K. Rogan Lab, Western University
No classification provided (evidence only). Condition: Hepatocellular carcinoma. Review status: no classification provided. Collection method: in vitro. Allele origin: not applicable. Functional consequence: retained intron. Not counted in ClinVar's aggregate classification.